The following is an entry in ClinVar:

NM_000094.4(COL7A1):c.6023G>T (p.Arg2008Leu)

Gene: COL7A1 (collagen type VII alpha 1 chain; minus strand). Cytogenetic location: 3p21.31.
Variant type: single nucleotide variant.
Coding change: c.6023G>T on transcript NM_000094.4 (MANE Select); coding-DNA position 6023, G replaced by T.
Protein change: p.Arg2008Leu; replaces arginine 2008 with leucine.
Molecular consequence: missense variant.
Genome position (GRCh38, 1-based): chr3:48,575,496, C>A on the plus strand (G>T on the coding strand, the complement: COL7A1 is on the minus strand). VCF-style: chr3-48575496-C-A. GRCh37 (hg19) VCF-style: chr3-48612929-C-A.
Other names: short protein forms R2008L.
Identifiers: ClinVar variation 2627473 (VCV002627473.1), dbSNP rs1002845719, ClinGen allele CA352663810.

ClinVar aggregate classification (germline): Likely pathogenic (1 of 4 stars; one submission).

Conditions:
Recessive dystrophic epidermolysis bullosa (RDEB). Also called: epidermolysis bullosa dystrophica, autosomal recessive; Recessive DEB (RDEB); DYSTROPHIC EPIDERMOLYSIS BULLOSA, AUTOSOMAL RECESSIVE; EPIDERMOLYSIS BULLOSA DYSTROPHICA, HALLOPEAU-SIEMENS TYPE; severe generalized recessive dystrophic epidermolysis bullosa; Hallopeau-Siemens Disease. Identifiers: Orphanet 79408, Orphanet 79409, MedGen C0079474, MONDO:0009179, OMIM 226600.

Submission:

Neuberg Centre For Genomic Medicine, NCGM
Classification: Likely pathogenic for Recessive dystrophic epidermolysis bullosa. Review status: criteria provided, single submitter. Criteria: ACMG Guidelines, 2015. Collection method: clinical testing. Allele origin: germline. Inheritance: Autosomal recessive inheritance. Affected: yes.
Comment: The missense variant p.R2008L in COL7A1 (NM_000094.4) has not be reported previously in affected patients. Another variant R2008G has been reported to be disease causing. The p.R2008L variant is novel (not in any individuals) in gnomAD Exomes and is novel (not in any individuals) in 1000 Genomes. In silico tools mark the variant to be damaging by predictions and the residue is semiconserved across species. For these reasons, this variant has been classified as Likely Pathogenic.